The following is an entry in ClinVar:

ClinVar aggregate classification (germline): Conflicting classifications of pathogenicity. Review status: criteria provided, conflicting classifications (1 of 4 stars). 11 submissions from 11 submitters: Uncertain significance (1); Benign (3); Likely benign (6). 1 of the submissions does not count toward it. Last evaluated 2026-06-01.

Conditions:
DMD-related disorder. Also called: DMD-related condition.
Duchenne muscular dystrophy (DMD). Also called: MUSCULAR DYSTROPHY, PSEUDOHYPERTROPHIC PROGRESSIVE, DUCHENNE TYPE; Duchenne Muscular Dystrophy (DMD). Identifiers: Orphanet 98896, MedGen C0013264, MONDO:0010679, OMIM 310200.
Cardiomyopathy (CMYO). Also called: Cardiomyopathies. Identifiers: Orphanet 167848, MedGen C0878544, MONDO:0004994, HP:0001638. Inheritance: Various modes of inheritance.
Dystrophin deficiency.
Becker muscular dystrophy (BMD). Also called: MUSCULAR DYSTROPHY, PSEUDOHYPERTROPHIC PROGRESSIVE, BECKER TYPE; Becker Muscular Dystrophy (BMD). Identifiers: Orphanet 98895, MedGen C0917713, MONDO:0010311, OMIM 300376.
Cardiovascular phenotype. Identifiers: MedGen CN230736.

Allele frequency attached by ClinVar (database versions not stated): gnomAD exomes 0.00009 and 0.00012; ExAC 0.00013; gnomAD 0.00013; TOPMed 0.00017.
gnomAD v4.1: 119 of 1,207,038 alleles (0.0099%); highest among the groups gnomAD compares: Admixed American, 0.055%; no homozygotes.

Submissions (11):

CeGaT Center for Human Genetics Tuebingen
Classification: Likely benign. Last evaluated: 2026-06-01. Review status: criteria provided, single submitter. Criteria: CeGaT Center For Human Genetics Tuebingen Variant Classification Criteria Version 2. Collection method: clinical testing. Allele origin: germline. Affected: yes. Observed: 2 variant alleles.
Comment: DMD: BS1

Labcorp Genetics (formerly Invitae), Labcorp
Classification: Benign for Duchenne muscular dystrophy. Last evaluated: 2026-01-31. Review status: criteria provided, single submitter. Criteria: Invitae Variant Classification Sherloc (09022015). Collection method: clinical testing. Allele origin: germline.

Molecular Diagnostic Laboratory for Inherited Cardiovascular Disease, Montreal Heart Institute
Classification: Likely benign. Last evaluated: 2025-07-24. Review status: criteria provided, single submitter. Criteria: ACMG Guidelines, 2015. Collection method: clinical testing. Allele origin: germline. Affected: no.
Comment: BS1, BP1

PreventionGenetics, part of Exact Sciences
Classification: Likely benign for DMD-related condition. Last evaluated: 2025-04-18. Review status: criteria provided, single submitter. Criteria: ACMG Guidelines, 2015. Collection method: clinical testing. Allele origin: germline.
Comment: This variant is classified as likely benign based on ACMG/AMP sequence variant interpretation guidelines (Richards et al. 2015 PMID: 25741868, with internal and published modifications).

Blueprint Genetics
Classification: Likely benign. Last evaluated: 2024-09-16. Review status: criteria provided, single submitter. Criteria: ACMG Guidelines, 2015. Collection method: clinical testing. Allele origin: germline.

GeneDx
Classification: Likely benign. Last evaluated: 2021-05-04. Review status: criteria provided, single submitter. Criteria: GeneDx Variant Classification Process June 2021. Collection method: clinical testing. Allele origin: germline. Affected: yes.
Comment: This variant is associated with the following publications: (PMID: 19937601)

Ambry Genetics
Classification: Benign for Cardiovascular phenotype. Last evaluated: 2020-07-22. Review status: criteria provided, single submitter. Criteria: Ambry Variant Classification Scheme 2023. Collection method: clinical testing. Allele origin: germline.

Mendelics
Classification: Likely benign for Duchenne muscular dystrophy. Last evaluated: 2019-05-28. Review status: criteria provided, single submitter. Criteria: Mendelics Assertion Criteria 2017. Collection method: clinical testing. Allele origin: unknown.

Women's Health and Genetics/Laboratory Corporation of America, LabCorp
Classification: Benign. Last evaluated: 2019-02-25. Review status: criteria provided, single submitter. Criteria: LabCorp Variant Classification Summary - May 2015. Collection method: clinical testing. Allele origin: germline.
Comment: Variant summary: DMD c.821A>G (p.Tyr274Cys) results in a non-conservative amino acid change in the encoded protein sequence. Three of five in-silico tools predict a damaging effect of the variant on protein function. The variant allele was found at a frequency of 0.00013 in 199695 control chromosomes including 11 hemizygotes. This frequency is not significantly higher than expected for a pathogenic variant in DMD causing Dystrophinopathies (0.00013 vs 0.011). c.821A>G has been reported in the literature in individuals affected with Dystrophinopathies (Flanigan_2009, Luce_2019). To our knowledge, no experimental evidence demonstrating an impact on protein function has been reported. Two ClinVar submissions from clinical diagnostic laboratories (evalution after 2014) cite the variant as uncertain significance and benign. Based on the evidence outlined above, the variant was classified as benign.

Eurofins Ntd Llc (ga)
Classification: Uncertain significance. Last evaluated: 2016-11-30. Review status: criteria provided, single submitter. Criteria: EGL Classification Definitions 2015. Collection method: clinical testing. Allele origin: germline. Observed: 1 variant allele, 1 hemizygote.

Natera, Inc.
Classification: Likely benign for Becker muscular dystrophy; Cardiomyopathy; Duchenne muscular dystrophy; Dystrophin deficiency. Last evaluated: 2018-06-11. Review status: no assertion criteria provided. Collection method: clinical testing. Allele origin: germline. Not counted in ClinVar's aggregate classification.

Literature cited by the submitters: PubMed 19937601 (cited by Ambry Genetics and Women's Health and Genetics/Laboratory Corporation of America, LabCorp); PubMed 30342905 (cited by Ambry Genetics); PubMed 25163546 (cited by Women's Health and Genetics/Laboratory Corporation of America, LabCorp).

NM_004006.3(DMD):c.821A>G (p.Tyr274Cys)

Gene: DMD (dystrophin; minus strand). Cytogenetic location: Xp21.1.
Variant type: single nucleotide variant.
Coding change: c.821A>G on transcript NM_004006.3 (MANE Select); coding-DNA position 821, A replaced by G.
Protein change: p.Tyr274Cys; replaces tyrosine 274 with cysteine.
Molecular consequence: missense variant.
Genome position (GRCh38, 1-based): chrX:32,699,122, T>C on the plus strand (A>G on the coding strand, the complement: DMD is on the minus strand). VCF-style: chrX-32699122-T-C. GRCh37 (hg19) VCF-style: chrX-32717239-T-C.
Other names: c.797A>G, p.Tyr266Cys (NM_000109.4); c.809A>G, p.Tyr270Cys (NM_004009.3); c.452A>G, p.Tyr151Cys (NM_004010.3); short protein forms Y274C, Y151C, Y270C, Y266C.
Identifiers: ClinVar variation 498565 (VCV000498565.40), dbSNP rs745868830, ClinGen allele CA10380069.
Genomic context (GRCh38, chrX:32,699,122, plus strand): 5'-ATATAAAACAGAAAACATCTTGAATAGTAGCTGTCCTTTACACACTTTACCTGTTGAGAA[T>C]AGTGCATTTGATGATGTAACTGAAAATGTTCTTCTTTAGTCACTTTAGGTGGCCTTGGCA-3'
Protein context (NP_003997.2, residues 264-284): EHFQLHHQMH[Tyr274Cys]SQQITVSLAQ